The following is an entry in ClinVar:

NM_000098.3(CPT2):c.196A>C (p.Ser66Arg)

Gene: CPT2 (carnitine palmitoyltransferase 2; plus strand). Cytogenetic location: 1p32.3.
Variant type: single nucleotide variant.
Coding change: c.196A>C on transcript NM_000098.3 (MANE Select); coding-DNA position 196, A replaced by C.
Protein change: p.Ser66Arg; replaces serine 66 with arginine.
Molecular consequence: missense variant.
Genome position (GRCh38, 1-based): chr1:53,200,762, A>C. VCF-style: chr1-53200762-A-C. GRCh37 (hg19) VCF-style: chr1-53666434-A-C.
Other names: c.196A>C, p.Ser66Arg (NM_001330589.2); short protein forms S66R.
Identifiers: ClinVar variation 2169951 (VCV002169951.1), dbSNP rs1263437868, ClinGen allele CA340389157.

ClinVar aggregate classification (germline): Uncertain significance (1 of 4 stars; one submission).

Conditions:
Carnitine palmitoyltransferase II deficiency. Also called: Carnitine Palmitoyltransferase 2 Deficiency. Identifiers: Orphanet 157, MedGen C0342790, MONDO:0015515.

Allele frequency attached by ClinVar (database versions not stated): gnomAD exomes below 0.00001; gnomAD 0.00001.
gnomAD v4.1: 2 of 1,614,040 alleles (0.00012%); highest among the groups gnomAD compares: Admixed American, 0.0033%; no homozygotes.

Submission:

Labcorp Genetics (formerly Invitae), Labcorp
Classification: Uncertain significance for Carnitine palmitoyltransferase II deficiency. Last evaluated: 2022-01-17. Review status: criteria provided, single submitter. Criteria: Invitae Variant Classification Sherloc (09022015). Collection method: clinical testing. Allele origin: germline.
Comment: This sequence change replaces serine, which is neutral and polar, with arginine, which is basic and polar, at codon 66 of the CPT2 protein (p.Ser66Arg). This variant is present in population databases (no rsID available, gnomAD 0.006%). This variant has not been reported in the literature in individuals affected with CPT2-related conditions. Advanced modeling of protein sequence and biophysical properties (such as structural, functional, and spatial information, amino acid conservation, physicochemical variation, residue mobility, and thermodynamic stability) performed at Invitae indicates that this missense variant is not expected to disrupt CPT2 protein function. In summary, the available evidence is currently insufficient to determine the role of this variant in disease. Therefore, it has been classified as a Variant of Uncertain Significance.